The following is an entry in ClinVar:

ClinVar aggregate classification (germline): Pathogenic. Review status: criteria provided, single submitter (1 of 4 stars). 2 submissions from 2 submitters: Pathogenic (1). 1 of the submissions does not count toward it. Last evaluated 2025-09-10.

Conditions:
Charcot-Marie-Tooth disease. Also called: Charcot-Marie-Tooth Neuropathy; Charcot-Marie-Tooth Hereditary Neuropathy. Identifiers: Orphanet 166, MedGen C0007959, MONDO:0015626.
Charcot-Marie-Tooth Neuropathy X. Identifiers: MedGen CN118851.

Submissions (2):

Labcorp Genetics (formerly Invitae), Labcorp
Classification: Pathogenic for Charcot-Marie-Tooth Neuropathy X. Last evaluated: 2025-09-10. Review status: criteria provided, single submitter. Criteria: Invitae Variant Classification Sherloc (09022015). Collection method: clinical testing. Allele origin: germline.
Comment: This sequence change replaces proline, which is neutral and non-polar, with leucine, which is neutral and non-polar, at codon 172 of the GJB1 protein (p.Pro172Leu). This variant is not present in population databases (gnomAD no frequency). This missense change has been observed in individuals with Charcot-Marie-Tooth disease, type X1 (CMTX1) (PMID: 9633821, 9856562, 21692908, 27098783). It has also been observed to segregate with disease in related individuals. This variant is also known as c.577 C>T. ClinVar contains an entry for this variant (Variation ID: 477599). Invitae Evidence Modeling of protein sequence and biophysical properties (such as structural, functional, and spatial information, amino acid conservation, physicochemical variation, residue mobility, and thermodynamic stability) indicates that this missense variant is expected to disrupt GJB1 protein function with a positive predictive value of 95%. For these reasons, this variant has been classified as Pathogenic.

Inherited Neuropathy Consortium
Classification: Uncertain significance for Charcot-Marie-Tooth disease. Review status: no assertion criteria provided. Collection method: literature only. Allele origin: germline. Affected: yes. Not counted in ClinVar's aggregate classification.

Literature cited by the submitters: PubMed 9633821 (cited by Labcorp Genetics (formerly Invitae), Labcorp and Inherited Neuropathy Consortium); PubMed 9856562 (cited by Labcorp Genetics (formerly Invitae), Labcorp); PubMed 21692908 (cited by Labcorp Genetics (formerly Invitae), Labcorp); PubMed 27098783 (cited by Labcorp Genetics (formerly Invitae), Labcorp).

NM_000166.6(GJB1):c.515C>T (p.Pro172Leu)

Gene: GJB1 (gap junction protein beta 1; plus strand). Cytogenetic location: Xq13.1.
Variant type: single nucleotide variant.
Coding change: c.515C>T on transcript NM_000166.6 (MANE Select); coding-DNA position 515, C replaced by T.
Protein change: p.Pro172Leu; replaces proline 172 with leucine.
Molecular consequence: missense variant.
Genome position (GRCh38, 1-based): chrX:71,224,222, C>T. VCF-style: chrX-71224222-C-T. GRCh37 (hg19) VCF-style: chrX-70444072-C-T.
Other names: c.515C>T, p.Pro172Leu (NM_001097642.3); short protein forms P172L.
Identifiers: ClinVar variation 477599 (VCV000477599.7), dbSNP rs1555937218, ClinGen allele CA413502914.